The following is an entry in ClinVar:

NM_000441.2(SLC26A4):c.1224_1225del (p.Arg409fs)

Gene: SLC26A4 (solute carrier family 26 member 4; plus strand). Cytogenetic location: 7q22.3.
Variant type: Deletion.
Coding change: c.1224_1225del on transcript NM_000441.2 (MANE Select); coding-DNA positions 1224 to 1225, 2 bases deleted (CC; older notation c.1224_1225delCC).
Protein change: p.Arg409fs; shifts the reading frame from arginine 409.
Molecular consequence: frameshift variant.
Genome position (GRCh38, 1-based): chr7:107,690,198-107,690,199, CC deleted; deleting any 2 consecutive bases within chr7:107,690,197-107,690,199 gives the same sequence; the c. name uses the placement nearest the transcript's 3' end. VCF-style (leftmost placement, unchanged base first): chr7-107690196-TCC-T. GRCh37 (hg19) VCF-style: chr7-107330641-TCC-T.
Other names: short protein forms R409fs.
Identifiers: ClinVar variation 5012845 (VCV005012845.1).
Genomic context (GRCh38, chr7:107,690,196, plus strand): 5'-TTTGGGATCAGCAACATCTTCTCAGGATTCTTCTCTTGTTTTGTGGCCACCACTGCTCTT[TCC>T]CGCACGGCCGTCCAGGAGAGCACTGGAGGAAAGACACAGGTAGGAACAACAGCCTTATGA-3'

ClinVar aggregate classification (germline): Pathogenic (1 of 4 stars; one submission).

Conditions:
Pendred syndrome (PDS). Also called: Pendred Syndrome (PDS); DEAFNESS WITH GOITER; GOITER-DEAFNESS SYNDROME; HYPOTHYROIDISM, CONGENITAL, DUE TO DYSHORMONOGENESIS, 2B; THYROID DYSHORMONOGENESIS 2B; THYROID HORMONOGENESIS, GENETIC DEFECT IN, 2B. Identifiers: Orphanet 705, MedGen C0271829, MONDO:0010134, OMIM 274600.

Submission:

Myriad Genetics, Inc.
Classification: Pathogenic for Pendred syndrome. Last evaluated: 2024-03-21. Review status: criteria provided, single submitter. Criteria: Myriad Autosomal Dominant, Autosomal Recessive and X-Linked Classification Criteria (2023). Collection method: clinical testing. Allele origin: unknown.
Comment: NM_000441.1(SLC26A4):c.1224_1225delCC(R409Hfs*58) is expected to be pathogenic in the context of Pendred syndrome. This variant is predicted to lead to an abnormal or absent protein product due to the creation of a premature termination codon in SLC26A4, a gene where loss-of-function variants are known to be pathogenic. Please note: this variant was assessed in the context of healthy population screening.